The following is an entry in ClinVar:

ClinVar aggregate classification (germline): Uncertain significance (1 of 4 stars; one submission).

Conditions:
Short stature-brachydactyly-obesity-global developmental delay syndrome. Also called: SHORT STATURE, BRACHYDACTYLY, IMPAIRED INTELLECTUAL DEVELOPMENT, AND SEIZURES; Short stature, brachydactyly, intellectual developmental disability, and seizures. Identifiers: Orphanet 464288, MedGen C4310689, MONDO:0014944, OMIM 617157.

Allele frequency attached by ClinVar (database versions not stated): gnomAD exomes 0.00004; gnomAD 0.00006; TOPMed 0.00002 and 0.00003; ExAC 0.00003; ESP Exome Variant Server 0.00008.
gnomAD v4.1: 38 of 1,611,668 alleles (0.0024%); highest among the groups gnomAD compares: Non-Finnish European, 0.0029%; no homozygotes.

Submission:

Baylor Genetics
Classification: Uncertain significance for Short stature-brachydactyly-obesity-global developmental delay syndrome. Last evaluated: 2018-03-11. Review status: criteria provided, single submitter. Criteria: ACMG Guidelines, 2015. Collection method: clinical testing. Allele origin: unknown. Affected: yes.
Comment: This variant was determined to be of uncertain significance according to ACMG Guidelines, 2015 [PMID:25741868].

NM_019023.5(PRMT7):c.1726G>A (p.Glu576Lys)

Gene: PRMT7 (protein arginine methyltransferase 7; plus strand). Cytogenetic location: 16q22.1.
Variant type: single nucleotide variant.
Coding change: c.1726G>A on transcript NM_019023.5 (MANE Select); coding-DNA position 1726, G replaced by A.
Protein change: p.Glu576Lys; replaces glutamic acid 576 with lysine.
Molecular consequence: missense variant. On other transcripts: non-coding transcript variant (12).
Genome position (GRCh38, 1-based): chr16:68,355,798, G>A. VCF-style: chr16-68355798-G-A. GRCh37 (hg19) VCF-style: chr16-68389701-G-A.
Other names: c.1576G>A, p.Glu526Lys (NM_001184824.4); c.1726G>A, p.Glu576Lys (NM_001290018.2, NM_001351143.3, NM_001378018.1); c.1729G>A, p.Glu577Lys (NM_001351144.3); c.1519G>A, p.Glu507Lys (NM_001378020.1); c.1489G>A, p.Glu497Lys (NM_001378021.1, NM_001378022.1, NM_001378023.1); short protein forms E507K, E526K, E497K, E577K, E576K.
Identifiers: ClinVar variation 1032053 (VCV001032053.1), dbSNP rs377019678, ClinGen allele CA8127619.